The following is an entry in ClinVar:

ClinVar aggregate classification (germline): Uncertain significance. Review status: criteria provided, multiple submitters, no conflicts (2 of 4 stars). 2 submissions from 2 submitters: Uncertain significance (2). Last evaluated 2024-06-01.

Conditions:
Nephronophthisis. Also called: Juvenile Nephronophthisis. Identifiers: Orphanet 655, MedGen C0687120, MONDO:0019005, HP:0000090.
Infantile nephronophthisis (NPHP2). Also called: Nephronophthisis 2; Nephronophthisis 2, infantile. Identifiers: Orphanet 655, Orphanet 93591, MedGen C1865872, MONDO:0011190, OMIM 602088.

Allele frequency attached by ClinVar (database versions not stated): gnomAD exomes below 0.00001 and 0.00001; ExAC 0.00001.
gnomAD v4.1: 6 of 1,614,168 alleles (0.00037%); highest among the groups gnomAD compares: Non-Finnish European, 0.00042%; no homozygotes.

Submissions (2):

Fulgent Genetics
Classification: Uncertain significance for Infantile nephronophthisis. Last evaluated: 2024-06-01. Review status: criteria provided, single submitter. Criteria: ACMG Guidelines, 2015. Collection method: clinical testing. Allele origin: germline.

Labcorp Genetics (formerly Invitae), Labcorp
Classification: Uncertain significance for Nephronophthisis. Last evaluated: 2019-10-26. Review status: criteria provided, single submitter. Criteria: Invitae Variant Classification Sherloc (09022015). Collection method: clinical testing. Allele origin: germline.
Comment: In summary, the available evidence is currently insufficient to determine the role of this variant in disease. Therefore, it has been classified as a Variant of Uncertain Significance. Algorithms developed to predict the effect of missense changes on protein structure and function output the following: SIFT: "Tolerated"; PolyPhen-2: "Benign"; Align-GVGD: "Class C0". The valine amino acid residue is found in multiple mammalian species, suggesting that this missense change does not adversely affect protein function. These predictions have not been confirmed by published functional studies and their clinical significance is uncertain. This variant has not been reported in the literature in individuals with INVS-related conditions. This variant is present in population databases (rs763766362, ExAC 0.002%). This sequence change replaces alanine with valine at codon 730 of the INVS protein (p.Ala730Val). The alanine residue is weakly conserved and there is a small physicochemical difference between alanine and valine.

NM_014425.5(INVS):c.2189C>T (p.Ala730Val)

Gene: INVS (inversin; plus strand). Cytogenetic location: 9q31.1.
Variant type: single nucleotide variant.
Coding change: c.2189C>T on transcript NM_014425.5 (MANE Select); coding-DNA position 2189, C replaced by T.
Protein change: p.Ala730Val; replaces alanine 730 with valine.
Molecular consequence: missense variant. On other transcripts: non-coding transcript variant (1).
Genome position (GRCh38, 1-based): chr9:100,292,446, C>T. VCF-style: chr9-100292446-C-T. GRCh37 (hg19) VCF-style: chr9-103054728-C-T.
Other names: c.1901C>T, p.Ala634Val (NM_001318381.2); c.1211C>T, p.Ala404Val (NM_001318382.2); short protein forms A404V, A730V, A634V.
Identifiers: ClinVar variation 970005 (VCV000970005.10), dbSNP rs763766362, ClinGen allele CA5158576.